The following is an entry in ClinVar:

NM_020461.4(TUBGCP6):c.3473G>A (p.Trp1158Ter)

Gene: TUBGCP6 (tubulin gamma complex component 6; minus strand). Cytogenetic location: 22q13.33.
Variant type: single nucleotide variant.
Coding change: c.3473G>A on transcript NM_020461.4 (MANE Select); coding-DNA position 3473, G replaced by A.
Protein change: p.Trp1158Ter; replaces tryptophan 1158 with a stop codon.
Molecular consequence: nonsense.
Genome position (GRCh38, 1-based): chr22:50,220,886, C>T on the plus strand (G>A on the coding strand, the complement: TUBGCP6 is on the minus strand). VCF-style: chr22-50220886-C-T. GRCh37 (hg19) VCF-style: chr22-50659315-C-T.
Other names: short protein forms W1158*.
Identifiers: ClinVar variation 944225 (VCV000944225.7), dbSNP rs2064509262, ClinGen allele CA412182262.

ClinVar aggregate classification (germline): Pathogenic (1 of 4 stars; one submission).

Submission:

Labcorp Genetics (formerly Invitae), Labcorp
Classification: Pathogenic. Last evaluated: 2024-02-23. Review status: criteria provided, single submitter. Criteria: Invitae Variant Classification Sherloc (09022015). Collection method: clinical testing. Allele origin: germline.
Comment: This sequence change creates a premature translational stop signal (p.Trp1158*) in the TUBGCP6 gene. It is expected to result in an absent or disrupted protein product. Loss-of-function variants in TUBGCP6 are known to be pathogenic (PMID: 25344692). This variant is not present in population databases (gnomAD no frequency). This variant has not been reported in the literature in individuals affected with TUBGCP6-related conditions. ClinVar contains an entry for this variant (Variation ID: 944225). For these reasons, this variant has been classified as Pathogenic.

Literature cited by the submitters: PubMed 25344692.